The following is an entry in ClinVar:

NM_001267550.2(TTN):c.32888-1G>A

Gene: TTN (titin; minus strand). Cytogenetic location: 2q31.2.
Variant type: single nucleotide variant.
Coding change: c.32888-1G>A on transcript NM_001267550.2 (MANE Select); the canonical splice acceptor site of the intron before coding-DNA position 32888, G replaced by A.
Molecular consequence: splice acceptor variant. On other transcripts: intron variant (3).
Genome position (GRCh38, 1-based): chr2:178,682,904, C>T on the plus strand (G>A on the coding strand, the complement: TTN is on the minus strand). VCF-style: chr2-178682904-C-T. GRCh37 (hg19) VCF-style: chr2-179547631-C-T.
Other names: c.13283-40587G>A (NM_003319.4); c.13859-40587G>A (NM_133437.4); c.13658-40587G>A (NM_133432.3); c.29156-1G>A (NM_133378.4); c.31937-1G>A (NM_001256850.1).
Identifiers: ClinVar variation 4822224 (VCV004822224.4).

ClinVar aggregate classification (germline): Uncertain significance (1 of 4 stars; one submission).

gnomAD v4.1: 1 of 1,594,750 alleles (0.000063%); highest among the groups gnomAD compares: Non-Finnish European, 0.000085%; no homozygotes.

Submission:

CeGaT Center for Human Genetics Tuebingen
Classification: Uncertain significance. Last evaluated: 2026-01-01. Review status: criteria provided, single submitter. Criteria: CeGaT Center For Human Genetics Tuebingen Variant Classification Criteria Version 2. Collection method: clinical testing. Allele origin: germline. Affected: yes. Observed: 1 variant allele.
Comment: TTN: PM2, PVS1:Moderate